The following is an entry in ClinVar:

NM_001029896.2(WDR45):c.821G>A (p.Arg274His)

Gene: WDR45 (WD repeat domain 45; minus strand). Cytogenetic location: Xp11.23.
Variant type: single nucleotide variant.
Coding change: c.821G>A on transcript NM_001029896.2 (MANE Select); coding-DNA position 821, G replaced by A.
Protein change: p.Arg274His; replaces arginine 274 with histidine.
Molecular consequence: missense variant.
Genome position (GRCh38, 1-based): chrX:49,075,370, C>T on the plus strand (G>A on the coding strand, the complement: WDR45 is on the minus strand). VCF-style: chrX-49075370-C-T. GRCh37 (hg19) VCF-style: chrX-48933029-C-T.
Other names: c.824G>A, p.Arg275His (NM_007075.4); short protein forms R274H, R275H.
Identifiers: ClinVar variation 3650406 (VCV003650406.2).

ClinVar aggregate classification (germline): Uncertain significance (1 of 4 stars; one submission).

Conditions:
Neurodegeneration with brain iron accumulation 5 (NBIA5). Also called: STATIC ENCEPHALOPATHY OF CHILDHOOD WITH NEURODEGENERATION IN ADULTHOOD; Beta-propeller protein-associated neurodegeneration. Identifiers: Orphanet 329284, MedGen C3550973, MONDO:0010476, OMIM 300894.

gnomAD v4.1: 2 of 1,206,762 alleles (0.00017%); highest among the groups gnomAD compares: Non-Finnish European, 0.00022%; no homozygotes.

Submission:

Labcorp Genetics (formerly Invitae), Labcorp
Classification: Uncertain significance for Neurodegeneration with brain iron accumulation 5. Last evaluated: 2025-06-10. Review status: criteria provided, single submitter. Criteria: Invitae Variant Classification Sherloc (09022015). Collection method: clinical testing. Allele origin: germline.
Comment: This sequence change replaces arginine, which is basic and polar, with histidine, which is basic and polar, at codon 275 of the WDR45 protein (p.Arg275His). The frequency data for this variant in the population databases is considered unreliable, as metrics indicate poor data quality at this position in the gnomAD database. This variant has not been reported in the literature in individuals affected with WDR45-related conditions. ClinVar contains an entry for this variant (Variation ID: 3650406). Invitae Evidence Modeling of protein sequence and biophysical properties (such as structural, functional, and spatial information, amino acid conservation, physicochemical variation, residue mobility, and thermodynamic stability) has been performed for this missense variant. However, the output from this modeling did not meet the statistical confidence thresholds required to predict the impact of this variant on WDR45 protein function. In summary, the available evidence is currently insufficient to determine the role of this variant in disease. Therefore, it has been classified as a Variant of Uncertain Significance.